The following is an entry in ClinVar:

ClinVar aggregate classification (germline): Benign. Review status: criteria provided, multiple submitters, no conflicts (2 of 4 stars). 4 submissions from 4 submitters: Benign (4). Last evaluated 2026-02-03.

Allele frequency attached by ClinVar (database versions not stated): gnomAD exomes 0.00078 and 0.00361; gnomAD 0.00101 and 0.00109; TOPMed 0.00237; ExAC 0.00298; 1000 Genomes Project 0.00319; 1000 Genomes Project 30x 0.00406.
gnomAD v4.1: 1,275 of 1,614,182 alleles (0.079%); highest among the groups gnomAD compares: Admixed American, 2%; 24 homozygotes.

Submissions (4):

Labcorp Genetics (formerly Invitae), Labcorp
Classification: Benign. Last evaluated: 2026-02-03. Review status: criteria provided, single submitter. Criteria: Invitae Variant Classification Sherloc (09022015). Collection method: clinical testing. Allele origin: germline.

Women's Health and Genetics/Laboratory Corporation of America, LabCorp
Classification: Benign. Last evaluated: 2019-12-10. Review status: criteria provided, single submitter. Criteria: LabCorp Variant Classification Summary - May 2015. Collection method: clinical testing. Allele origin: germline.
Comment: Variant summary: A2ML1 c.200A>T (p.Glu67Val) results in a non-conservative amino acid change in the encoded protein sequence. Three of five in-silico tools predict a benign effect of the variant on protein function. The variant allele was found at a frequency of 0.0036 in 249528 control chromosomes, predominantly at a frequency of 0.026 within the Latino subpopulation in the gnomAD database, including 18 homozygotes. The observed variant frequency within Latino control individuals in the gnomAD database is approximately 6500-folds over the estimated maximal expected allele frequency for a pathogenic variant in A2ML1 causing Noonan Syndrome phenotype (4e-06), strongly suggesting that the variant is a benign polymorphism found primarily in populations of Latino origin. To our knowledge, no occurrence of c.200A>T in individuals affected with Noonan Syndrome and no experimental evidence demonstrating its impact on protein function have been reported. Two ClinVar submissions (evaluation after 2014) cites the variant as benign. Based on the evidence outlined above, the variant was classified as benign.

GeneDx
Classification: Benign. Last evaluated: 2017-01-19. Review status: criteria provided, single submitter. Criteria: GeneDx Variant Classification (06012015). Collection method: clinical testing. Allele origin: germline. Affected: yes.
Comment: This variant is considered likely benign or benign based on one or more of the following criteria: it is a conservative change, it occurs at a poorly conserved position in the protein, it is predicted to be benign by multiple in silico algorithms, and/or has population frequency not consistent with disease.

Breakthrough Genomics
Classification: Benign. Review status: criteria provided, single submitter. Criteria: ACMG Guidelines, 2015. Collection method: not provided. Allele origin: germline. Inheritance: Autosomal dominant inheritance. Affected: yes.

NM_144670.6(A2ML1):c.200A>T (p.Glu67Val)

Genes: A2ML1-AS1 (A2ML1 antisense RNA 1; minus strand), A2ML1 (alpha-2-macroglobulin like 1; plus strand). Cytogenetic location: 12p13.31.
Variant type: single nucleotide variant.
Coding change: c.200A>T on transcript NM_144670.6 (MANE Select); coding-DNA position 200, A replaced by T.
Protein change: p.Glu67Val; replaces glutamic acid 67 with valine.
Molecular consequence: missense variant.
Genome position (GRCh38, 1-based): chr12:8,823,319, A>T. VCF-style: chr12-8823319-A-T. GRCh37 (hg19) VCF-style: chr12-8975915-A-T.
Other names: short protein forms E67V.
Identifiers: ClinVar variation 241887 (VCV000241887.13), dbSNP rs190479708, ClinGen allele CA6435189.